The following is an entry in ClinVar:

ClinVar aggregate classification (germline): Likely pathogenic. Review status: criteria provided, single submitter (1 of 4 stars). 2 submissions from 2 submitters: Likely pathogenic (1). 1 of the submissions does not count toward it. Last evaluated 2023-09-12.

Conditions:
Zellweger spectrum disorders (ZS). Also called: Zellweger Spectrum Disorder; Zellweger Spectrum; Zellweger Spectrum Disorder (ZSD); Zellweger syndrome. Identifiers: Orphanet 912, MedGen C0043459, MONDO:0019609.
Peroxisome biogenesis disorder 1A (Zellweger) (PBD1A). Also called: Peroxisome biogenesis disorder 1a; Zellweger leukodystrophy. Identifiers: MedGen C4721541, MONDO:0008953, OMIM 214100.

Submissions (2):

Labcorp Genetics (formerly Invitae), Labcorp
Classification: Likely pathogenic for Zellweger spectrum disorders. Last evaluated: 2023-09-12. Review status: criteria provided, single submitter. Criteria: Invitae Variant Classification Sherloc (09022015). Collection method: clinical testing. Allele origin: germline.
Comment: Disruption of this splice site has been observed in individual(s) with PEX1-related conditions (PMID: 11389485). This sequence change affects a donor splice site in intron 12 of the PEX1 gene. It is expected to disrupt RNA splicing. Variants that disrupt the donor or acceptor splice site typically lead to a loss of protein function (PMID: 16199547), and loss-of-function variants in PEX1 are known to be pathogenic (PMID: 21031596, 26387595, 31831025). This variant is not present in population databases (gnomAD no frequency). ClinVar contains an entry for this variant (Variation ID: 553031). Algorithms developed to predict the effect of sequence changes on RNA splicing suggest that this variant may disrupt the consensus splice site. In summary, the currently available evidence indicates that the variant is pathogenic, but additional data are needed to prove that conclusively. Therefore, this variant has been classified as Likely Pathogenic.

Counsyl
Classification: Likely pathogenic for Peroxisome biogenesis disorder 1A (Zellweger). Last evaluated: 2017-07-25. Review status: no assertion criteria provided. Collection method: clinical testing. Allele origin: unknown. Not counted in ClinVar's aggregate classification.

Literature cited by the submitters: PubMed 11389485 (cited by Labcorp Genetics (formerly Invitae), Labcorp); PubMed 16199547 (cited by Labcorp Genetics (formerly Invitae), Labcorp); PubMed 21031596 (cited by Labcorp Genetics (formerly Invitae), Labcorp); PubMed 26387595 (cited by Labcorp Genetics (formerly Invitae), Labcorp); PubMed 31831025 (cited by Labcorp Genetics (formerly Invitae), Labcorp).

NM_000466.3(PEX1):c.2071+2T>C

Gene: PEX1 (peroxisomal biogenesis factor 1; minus strand). Cytogenetic location: 7q21.2.
Variant type: single nucleotide variant.
Coding change: c.2071+2T>C on transcript NM_000466.3 (MANE Select); the canonical splice donor site of the intron after coding-DNA position 2071, T replaced by C.
Molecular consequence: splice donor variant. On other transcripts: intron variant (1).
Genome position (GRCh38, 1-based): chr7:92,504,730, A>G on the plus strand (T>C on the coding strand, the complement: PEX1 is on the minus strand). VCF-style: chr7-92504730-A-G. GRCh37 (hg19) VCF-style: chr7-92134044-A-G.
Other names: c.1900+1518T>C (NM_001282677.2); c.1447+2T>C (NM_001282678.2).
Identifiers: ClinVar variation 553031 (VCV000553031.5), dbSNP rs1478905473, ClinGen allele CA368182701.